The following is an entry in ClinVar:

NM_015374.3(SUN2):c.1348C>T (p.Arg450Trp)

Genes: GTPBP1 (GTP binding protein 1; plus strand), SUN2 (Sad1 and UNC84 domain containing 2; minus strand). Cytogenetic location: 22q13.1.
Variant type: single nucleotide variant.
Coding change: c.1348C>T on transcript NM_015374.3 (MANE Select); coding-DNA position 1348, C replaced by T.
Protein change: p.Arg450Trp; replaces arginine 450 with tryptophan.
Molecular consequence: missense variant.
Genome position (GRCh38, 1-based): chr22:38,740,275, G>A on the plus strand (C>T on the coding strand, the complement: SUN2 is on the minus strand). VCF-style: chr22-38740275-G-A. GRCh37 (hg19) VCF-style: chr22-39136280-G-A.
Other names: c.1348C>T (NM_015374.2); c.1348C>T, p.Arg450Trp (NM_001394436.1, NM_001394437.1, NM_001199580.2 and 5 more transcripts); c.1258C>T, p.Arg420Trp (NM_001394438.1); c.1210C>T, p.Arg404Trp (NM_001394439.1, NM_001394440.1, NM_001394441.1); c.949C>T, p.Arg317Trp (NM_001394442.1); c.856C>T, p.Arg286Trp (NM_001394443.1); c.772C>T, p.Arg258Trp (NM_001394444.1, NM_001394445.1); c.1411C>T, p.Arg471Trp (NM_001199579.2, NM_001394428.1); and 2 more; short protein forms R258W, R450W, R465W, R317W, R404W, R420W, R481W, R286W.
Identifiers: ClinVar variation 2197828 (VCV002197828.5), dbSNP rs749230478, ClinGen allele CA10235593.

ClinVar aggregate classification (germline): Uncertain significance. Review status: criteria provided, multiple submitters, no conflicts (2 of 4 stars). 2 submissions from 2 submitters: Uncertain significance (2). Last evaluated 2025-03-27.

Conditions:
Emery-Dreifuss muscular dystrophy (EDMD). Also called: Scapuloperoneal syndrome, X-linked (formerly); Humeroperoneal neuromuscular disease, (formerly). Identifiers: Orphanet 261, MedGen C0410189, MONDO:0016830.

Allele frequency attached by ClinVar (database versions not stated): gnomAD 0.00001; gnomAD exomes 0.00006; ExAC 0.00007.
gnomAD v4.1: 88 of 1,590,004 alleles (0.0055%); highest among the groups gnomAD compares: Non-Finnish European, 0.0072%; no homozygotes.

Submissions (2):

Ambry Genetics
Classification: Uncertain significance. Last evaluated: 2025-03-27. Review status: criteria provided, single submitter. Criteria: Ambry Variant Classification Scheme 2023. Collection method: clinical testing. Allele origin: germline.

Labcorp Genetics (formerly Invitae), Labcorp
Classification: Uncertain significance for Emery-Dreifuss muscular dystrophy. Last evaluated: 2023-12-03. Review status: criteria provided, single submitter. Criteria: Invitae Variant Classification Sherloc (09022015). Collection method: clinical testing. Allele origin: germline.
Comment: This sequence change replaces arginine, which is basic and polar, with tryptophan, which is neutral and slightly polar, at codon 450 of the SUN2 protein (p.Arg450Trp). The frequency data for this variant in the population databases is considered unreliable, as metrics indicate poor data quality at this position in the gnomAD database. This variant has not been reported in the literature in individuals affected with SUN2-related conditions. ClinVar contains an entry for this variant (Variation ID: 2197828). An algorithm developed to predict the effect of missense changes on protein structure and function (PolyPhen-2) suggests that this variant is likely to be disruptive. In summary, the available evidence is currently insufficient to determine the role of this variant in disease. Therefore, it has been classified as a Variant of Uncertain Significance.